The following is an entry in ClinVar:

ClinVar aggregate classification (germline): Uncertain significance (1 of 4 stars; one submission).

Submission:

Labcorp Genetics (formerly Invitae), Labcorp
Classification: Uncertain significance. Last evaluated: 2023-09-06. Review status: criteria provided, single submitter. Criteria: Invitae Variant Classification Sherloc (09022015). Collection method: clinical testing. Allele origin: germline.
Comment: In summary, the available evidence is currently insufficient to determine the role of this variant in disease. Therefore, it has been classified as a Variant of Uncertain Significance. This variant has not been reported in the literature in individuals affected with TRRAP-related conditions. Variants that disrupt the consensus splice site are a relatively common cause of aberrant splicing (PMID: 17576681, 9536098). Algorithms developed to predict the effect of sequence changes on RNA splicing suggest that this variant may disrupt the consensus splice site. This variant is not present in population databases (gnomAD no frequency). This sequence change falls in intron 9 of the TRRAP gene. It does not directly change the encoded amino acid sequence of the TRRAP protein. It affects a nucleotide within the consensus splice site.

Literature cited by the submitters: PubMed 17576681; PubMed 9536098.

NM_001375524.1(TRRAP):c.711+3A>G

Gene: TRRAP (transformation/transcription domain associated protein; plus strand). Cytogenetic location: 7q22.1.
Variant type: single nucleotide variant.
Coding change: c.711+3A>G on transcript NM_001375524.1 (MANE Select); 3 bases into the intron after coding-DNA position 711, A replaced by G.
Molecular consequence: intron variant.
Genome position (GRCh38, 1-based): chr7:98,899,502, A>G. VCF-style: chr7-98899502-A-G. GRCh37 (hg19) VCF-style: chr7-98497125-A-G.
Other names: c.711+3A>G (NM_001244580.2, NM_003496.4).
Identifiers: ClinVar variation 2748264 (VCV002748264.3), dbSNP rs2484679667, ClinGen allele CA2578949448.